The following is an entry in ClinVar:

NM_173560.4(RFX6):c.1040_1052del (p.Arg347fs)

Gene: RFX6 (regulatory factor X6; plus strand). Cytogenetic location: 6q22.1.
Variant type: Deletion.
Coding change: c.1040_1052del on transcript NM_173560.4 (MANE Select); coding-DNA positions 1040 to 1052, 13 bases deleted (GAAATTTTGCTAA).
Protein change: p.Arg347fs; shifts the reading frame from arginine 347.
Molecular consequence: frameshift variant.
Genome position (GRCh38, 1-based): chr6:116,919,154-116,919,166, GAAATTTTGCTAA deleted; deleting any 13 consecutive bases within chr6:116,919,151-116,919,166 gives the same sequence; the c. name uses the placement nearest the transcript's 3' end. VCF-style (leftmost placement, unchanged base first): chr6-116919150-ATAAGAAATTTTGC-A. GRCh37 (hg19) VCF-style: chr6-117240313-ATAAGAAATTTTGC-A.
Other names: short protein forms R347fs.
Identifiers: ClinVar variation 4982412 (VCV004982412.1).

ClinVar aggregate classification (germline): Pathogenic (1 of 4 stars; one submission).

Conditions:
RFX6-related disorder. Also called: RFX6-related condition.

Submission:

PreventionGenetics, part of Exact Sciences
Classification: Pathogenic for RFX6-related condition. Last evaluated: 2025-03-11. Review status: criteria provided, single submitter. Criteria: ACMG Guidelines, 2015. Collection method: clinical testing. Allele origin: germline.
Comment: The RFX6 c.1040_1052del13 variant is predicted to result in a frameshift and premature protein termination (p.Arg347Lysfs*18). This variant was reported in the compound heterozygous state with a nonsense variant in a patient with monogenic diabetes, duodenal atresia, intestinal malrotation, annular pancreas and polyps in the duodenum (Sanchez et al. 2024. PubMed ID: 38587174). This variant has not been reported in a large population database (gnomAD), indicating this variant is rare. Frameshift variants in RFX6 are expected to be pathogenic. This variant is interpreted as pathogenic.